The following is an entry in ClinVar:

NM_001046.3(SLC12A2):c.2120C>G (p.Ala707Gly)

Gene: SLC12A2 (solute carrier family 12 member 2; plus strand). Cytogenetic location: 5q23.3.
Variant type: single nucleotide variant.
Coding change: c.2120C>G on transcript NM_001046.3 (MANE Select); coding-DNA position 2120, C replaced by G.
Protein change: p.Ala707Gly; replaces alanine 707 with glycine.
Molecular consequence: missense variant. On other transcripts: non-coding transcript variant (1).
Genome position (GRCh38, 1-based): chr5:128,151,253, C>G. VCF-style: chr5-128151253-C-G. GRCh37 (hg19) VCF-style: chr5-127486945-C-G.
Other names: c.2120C>G, p.Ala707Gly (NM_001256461.2); short protein forms A707G.
Identifiers: ClinVar variation 2785569 (VCV002785569.1), dbSNP rs1205382795, ClinGen allele CA360748646.

ClinVar aggregate classification (germline): Uncertain significance (1 of 4 stars; one submission).

gnomAD v4.1: 2 of 1,603,900 alleles (0.00012%); highest among the groups gnomAD compares: Admixed American, 0.0035%; no homozygotes.

Submission:

Labcorp Genetics (formerly Invitae), Labcorp
Classification: Uncertain significance. Last evaluated: 2023-09-20. Review status: criteria provided, single submitter. Criteria: Invitae Variant Classification Sherloc (09022015). Collection method: clinical testing. Allele origin: germline.
Comment: This sequence change replaces alanine, which is neutral and non-polar, with glycine, which is neutral and non-polar, at codon 707 of the SLC12A2 protein (p.Ala707Gly). This variant is present in population databases (no rsID available, gnomAD 0.007%). This variant has not been reported in the literature in individuals affected with SLC12A2-related conditions. Advanced modeling of protein sequence and biophysical properties (such as structural, functional, and spatial information, amino acid conservation, physicochemical variation, residue mobility, and thermodynamic stability) performed at Invitae indicates that this missense variant is not expected to disrupt SLC12A2 protein function. In summary, the available evidence is currently insufficient to determine the role of this variant in disease. Therefore, it has been classified as a Variant of Uncertain Significance.